The following is an entry in ClinVar:

ClinVar aggregate classification (germline): Conflicting classifications of pathogenicity. Review status: criteria provided, conflicting classifications (1 of 4 stars). 2 submissions from 2 submitters: Uncertain significance (1); Likely benign (1). Last evaluated 2025-04-08.

Conditions:
Inborn genetic diseases. Identifiers: MedGen C0950123, MeSH D030342.

Allele frequency attached by ClinVar (database versions not stated): gnomAD exomes 0.00012; 1000 Genomes Project 0.00040; 1000 Genomes Project 30x 0.00062; gnomAD 0.00121 and 0.00135; ESP Exome Variant Server 0.00155; TOPMed 0.00162.
gnomAD v4.1: 366 of 1,609,828 alleles (0.023%); highest among the groups gnomAD compares: African/African-American, 0.42%; 6 homozygotes.

Submissions (2):

Ambry Genetics
Classification: Uncertain significance for Inborn genetic diseases. Last evaluated: 2025-04-08. Review status: criteria provided, single submitter. Criteria: Ambry Variant Classification Scheme 2023. Collection method: clinical testing. Allele origin: germline.

Laboratory for Molecular Medicine, Mass General Brigham Personalized Medicine
Classification: Likely benign. Last evaluated: 2015-11-24. Review status: criteria provided, single submitter. Criteria: LMM Criteria. Collection method: clinical testing. Allele origin: germline. Observed: 8 variant alleles.
Comment: p.Glu1727Gln in Exon 28 of STRC: This variant is not expected to have clinical s ignificance because it has been identified in 0.5% (42/8096) of African chromoso mes by the Exome Aggregation Consortium (ExAC; d bSNP rs141749062).

NM_153700.2(STRC):c.5179G>C (p.Glu1727Gln)

Gene: STRC (stereocilin; minus strand). Cytogenetic location: 15q15.3.
Variant type: single nucleotide variant.
Coding change: c.5179G>C on transcript NM_153700.2 (MANE Select); coding-DNA position 5179, G replaced by C.
Protein change: p.Glu1727Gln; replaces glutamic acid 1727 with glutamine.
Molecular consequence: missense variant.
Genome position (GRCh38, 1-based): chr15:43,600,020, C>G on the plus strand (G>C on the coding strand, the complement: STRC is on the minus strand). VCF-style: chr15-43600020-C-G. GRCh37 (hg19) VCF-style: chr15-43892218-C-G.
Other names: short protein forms E1727Q.
Identifiers: ClinVar variation 178529 (VCV000178529.6), dbSNP rs141749062, ClinGen allele CA182500.